The following is an entry in ClinVar:

ClinVar aggregate classification (germline): Uncertain significance (1 of 4 stars; one submission).

Submission:

Ambry Genetics
Classification: Uncertain significance. Last evaluated: 2025-09-04. Review status: criteria provided, single submitter. Criteria: Ambry Variant Classification Scheme 2023. Collection method: clinical testing. Allele origin: germline.
Comment: The p.I1549M variant (also known as c.4647C>G), located in coding exon 19 of the WNK2 gene, results from a C to G substitution at nucleotide position 4647. The isoleucine at codon 1549 is replaced by methionine, an amino acid with highly similar properties. This amino acid position is conserved. In addition, this alteration is predicted to be tolerated by in silico analysis. Based on the available evidence, the clinical significance of this variant remains unclear.

NM_006648.4(WNK2):c.4647C>G (p.Ile1549Met)

Gene: WNK2 (WNK lysine deficient protein kinase 2; plus strand). Cytogenetic location: 9q22.31.
Variant type: single nucleotide variant.
Coding change: c.4647C>G on transcript NM_006648.4 (MANE Select); coding-DNA position 4647, C replaced by G.
Protein change: p.Ile1549Met; replaces isoleucine 1549 with methionine.
Molecular consequence: missense variant.
Genome position (GRCh38, 1-based): chr9:93,289,401, C>G. VCF-style: chr9-93289401-C-G. GRCh37 (hg19) VCF-style: chr9-96051683-C-G.
Other names: c.4758C>G, p.Ile1586Met (NM_001282394.3); short protein forms I1586M, I1549M.
Identifiers: ClinVar variation 4201870 (VCV004201870.1).
Genomic context (GRCh38, chr9:93,289,401, plus strand): 5'-GGCCCTGGAGTCGGATGGGGAAGGGCCGCCCCCCAGGGTGGGCTTTGTGGACAGCACCAT[C>G]AAGAGCCTGGACGAGAAGCTGCGGACTCTGCTCTACCAGGAGCACGTGCCCACCTCCTCA-3'
Protein context (NP_006639.3, residues 1539-1559): PPRVGFVDST[Ile1549Met]KSLDEKLRTL